The following is an entry in ClinVar:

ClinVar aggregate classification (germline): Pathogenic (1 of 4 stars; one submission).

Conditions:
Hypertrophic cardiomyopathy 4. Also called: Familial hypertrophic cardiomyopathy 4. Identifiers: MedGen C1861862, MONDO:0007268, OMIM 115197.

Submission:

Molecular Genetics Laboratory, Motol Hospital
Classification: Pathogenic for Hypertrophic cardiomyopathy 4. Last evaluated: 2026-06-04. Review status: criteria provided, single submitter. Criteria: ACMG Guidelines, 2015. Collection method: clinical testing. Allele origin: germline. Affected: yes. Observed: 1 variant allele.
Comment: A rare variant not present in non-Finnish European population (PM2). Rare truncating variants in the MYBPC3 gene are associated with autosomal dominant familial hypertrophic cardiomyopathy (PVS1). The variant is classified as pathogenic.

Literature cited by the submitters: PubMed 31877118; PubMed 37445689; PubMed 11499719.

NM_000256.3(MYBPC3):c.3097del (p.Arg1033fs)

Gene: MYBPC3 (myosin binding protein C3; minus strand). Cytogenetic location: 11p11.2.
Variant type: Deletion.
Coding change: c.3097del on transcript NM_000256.3 (MANE Select); coding-DNA position 3097, one base deleted (C; older notation c.3097delC).
Protein change: p.Arg1033fs; shifts the reading frame from arginine 1033.
Molecular consequence: frameshift variant.
Genome position (GRCh38, 1-based): chr11:47,333,650, G deleted on the plus strand (C on the coding strand, the reverse complement: MYBPC3 is on the minus strand); the first of 2 consecutive G bases (chr11:47,333,650-47,333,651); deleting either gives the same sequence. VCF-style (leftmost placement, unchanged base first): chr11-47333649-CG-C. GRCh37 (hg19) VCF-style: chr11-47355200-CG-C.
Other names: short protein forms R1033fs.
Identifiers: ClinVar variation 4856626 (VCV004856626.1).